The following is an entry in ClinVar:

NM_004519.4(KCNQ3):c.167C>T (p.Ala56Val)

Gene: KCNQ3 (potassium voltage-gated channel subfamily Q member 3; minus strand). Cytogenetic location: 8q24.22.
Variant type: single nucleotide variant.
Coding change: c.167C>T on transcript NM_004519.4 (MANE Select); coding-DNA position 167, C replaced by T.
Protein change: p.Ala56Val; replaces alanine 56 with valine.
Molecular consequence: missense variant.
Genome position (GRCh38, 1-based): chr8:132,480,366, G>A on the plus strand (C>T on the coding strand, the complement: KCNQ3 is on the minus strand). VCF-style: chr8-132480366-G-A. GRCh37 (hg19) VCF-style: chr8-133492613-G-A.
Other names: short protein forms A56V.
Identifiers: ClinVar variation 2806538 (VCV002806538.3), dbSNP rs2537398461, ClinGen allele CA372292758.
Genomic context (GRCh38, chr8:132,480,366, plus strand): 5'-TCGTCGCGGCCGCCGCCCTCCAGCAGCAGGGTCCCGTCTTTGTCGGCTCCGGCCCCGAGC[G>A]CCAAGGTGACTTGCTCCACGTCGCCGGGCGCCAGCCCCACTTTCCGCTCCTCGTCGCCGG-3'
Protein context (NP_004510.1, residues 46-66): APGDVEQVTL[Ala56Val]LGAGADKDGT

ClinVar aggregate classification (germline): Uncertain significance (1 of 4 stars; one submission).

Conditions:
Benign neonatal seizures. Also called: Convulsions benign familial neonatal dominant form; Autosomal dominant form of benign neonatal seizures; Benign familial neonatal epilepsy; Benign familial neonatal seizures; Benign neonatal familial convulsions. Identifiers: Orphanet 1949, MedGen C0220669, MONDO:0016027.

Submission:

Labcorp Genetics (formerly Invitae), Labcorp
Classification: Uncertain significance for Benign neonatal seizures. Last evaluated: 2023-12-04. Review status: criteria provided, single submitter. Criteria: Invitae Variant Classification Sherloc (09022015). Collection method: clinical testing. Allele origin: germline.
Comment: This sequence change replaces alanine, which is neutral and non-polar, with valine, which is neutral and non-polar, at codon 56 of the KCNQ3 protein (p.Ala56Val). This variant is not present in population databases (gnomAD no frequency). This variant has not been reported in the literature in individuals affected with KCNQ3-related conditions. Advanced modeling of protein sequence and biophysical properties (such as structural, functional, and spatial information, amino acid conservation, physicochemical variation, residue mobility, and thermodynamic stability) performed at Invitae indicates that this missense variant is not expected to disrupt KCNQ3 protein function with a negative predictive value of 95%. In summary, the available evidence is currently insufficient to determine the role of this variant in disease. Therefore, it has been classified as a Variant of Uncertain Significance.